The following is an entry in ClinVar:

ClinVar aggregate classification (germline): Uncertain significance (1 of 4 stars; one submission).

Conditions:
Cystic fibrosis (CF). Also called: MUCOVISCIDOSIS. Identifiers: Orphanet 586, MedGen C0010674, MONDO:0009061, OMIM 219700. Disease mechanism: loss of function.

gnomAD v4.1: 2 of 1,584,404 alleles (0.00013%); highest among the groups gnomAD compares: Non-Finnish European, 0.00017%; no homozygotes.

Submission:

Ambry Genetics
Classification: Uncertain significance for Cystic fibrosis. Last evaluated: 2025-08-08. Review status: criteria provided, single submitter. Criteria: Ambry Variant Classification Scheme 2023. Collection method: clinical testing. Allele origin: germline.
Comment: The p.R765S variant (also known as c.2295G>T), located in coding exon 14 of the CFTR gene, results from a G to T substitution at nucleotide position 2295. The arginine at codon 765 is replaced by serine, an amino acid with dissimilar properties. This amino acid position is highly conserved in available vertebrate species. In addition, this alteration is predicted to be deleterious by in silico analysis. Based on the available evidence, the clinical significance of this variant remains unclear.

NM_000492.4(CFTR):c.2295G>T (p.Arg765Ser)

Gene: CFTR (CF transmembrane conductance regulator; plus strand). Cytogenetic location: 7q31.2.
Variant type: single nucleotide variant.
Coding change: c.2295G>T on transcript NM_000492.4 (MANE Select); coding-DNA position 2295, G replaced by T.
Protein change: p.Arg765Ser; replaces arginine 765 with serine.
Molecular consequence: missense variant.
Genome position (GRCh38, 1-based): chr7:117,592,462, G>T. VCF-style: chr7-117592462-G-T. GRCh37 (hg19) VCF-style: chr7-117232516-G-T.
Other names: short protein forms R765S.
Identifiers: ClinVar variation 4227386 (VCV004227386.1).